The following is an entry in ClinVar:

NM_181882.3(PRX):c.2164A>G (p.Met722Val)

Gene: PRX (periaxin; minus strand). Cytogenetic location: 19q13.2.
Variant type: single nucleotide variant.
Coding change: c.2164A>G on transcript NM_181882.3 (MANE Select); coding-DNA position 2164, A replaced by G.
Protein change: p.Met722Val; replaces methionine 722 with valine.
Molecular consequence: missense variant. On other transcripts: 3 prime UTR variant (1).
Genome position (GRCh38, 1-based): chr19:40,396,188, T>C on the plus strand (A>G on the coding strand, the complement: PRX is on the minus strand). VCF-style: chr19-40396188-T-C. GRCh37 (hg19) VCF-style: chr19-40902095-T-C.
Other names: c.*2369A>G (NM_020956.2); short protein forms M722V.
Identifiers: ClinVar variation 388340 (VCV000388340.19), dbSNP rs376309142, ClinGen allele CA9444114.

ClinVar aggregate classification (germline): Conflicting classifications of pathogenicity. Review status: criteria provided, conflicting classifications (1 of 4 stars). 6 submissions from 6 submitters: Uncertain significance (3); Likely benign (2). 1 of the submissions does not count toward it. Last evaluated 2025-07-01.

Conditions:
Charcot-Marie-Tooth disease type 4. Also called: Charcot-Marie-Tooth disease, type IV; Charcot-Marie-Tooth, Type 4. Identifiers: Orphanet 64749, MedGen C4082197, MONDO:0018995.
Inborn genetic diseases. Identifiers: MedGen C0950123, MeSH D030342.
PRX-related disorder. Also called: PRX-Related Disorders; PRX-related condition.

Allele frequency attached by ClinVar (database versions not stated): gnomAD exomes 0.00004 and 0.00011; ExAC 0.00005; gnomAD 0.00005; TOPMed 0.00005; ESP Exome Variant Server 0.00015.

Submissions (6):

CeGaT Center for Human Genetics Tuebingen
Classification: Uncertain significance. Last evaluated: 2025-07-01. Review status: criteria provided, single submitter. Criteria: CeGaT Center For Human Genetics Tuebingen Variant Classification Criteria Version 2. Collection method: clinical testing. Allele origin: germline. Affected: yes. Observed: 1 variant allele.
Comment: PRX: PM2, BP4

Blueprint Genetics
Classification: Uncertain significance. Last evaluated: 2024-09-24. Review status: criteria provided, single submitter. Criteria: ACMG Guidelines, 2015. Collection method: clinical testing. Allele origin: germline.

Labcorp Genetics (formerly Invitae), Labcorp
Classification: Uncertain significance for Charcot-Marie-Tooth disease type 4. Last evaluated: 2022-04-01. Review status: criteria provided, single submitter. Criteria: Invitae Variant Classification Sherloc (09022015). Collection method: clinical testing. Allele origin: germline.
Comment: This sequence change replaces methionine, which is neutral and non-polar, with valine, which is neutral and non-polar, at codon 722 of the PRX protein (p.Met722Val). This variant is present in population databases (rs376309142, gnomAD 0.007%). This variant has not been reported in the literature in individuals affected with PRX-related conditions. ClinVar contains an entry for this variant (Variation ID: 388340). Algorithms developed to predict the effect of missense changes on protein structure and function output the following: SIFT: "Tolerated"; PolyPhen-2: "Benign"; Align-GVGD: "Class C0". The valine amino acid residue is found in multiple mammalian species, which suggests that this missense change does not adversely affect protein function. In summary, the available evidence is currently insufficient to determine the role of this variant in disease. Therefore, it has been classified as a Variant of Uncertain Significance.

Ambry Genetics
Classification: Likely benign for Inborn genetic diseases. Last evaluated: 2021-10-06. Review status: criteria provided, single submitter. Criteria: Ambry Variant Classification Scheme 2023. Collection method: clinical testing. Allele origin: germline.

GeneDx
Classification: Likely benign. Last evaluated: 2018-07-12. Review status: criteria provided, single submitter. Criteria: GeneDx Variant Classification Process June 2021. Collection method: clinical testing. Allele origin: germline. Affected: yes.

PreventionGenetics, part of Exact Sciences
Classification: Uncertain significance for PRX-related condition. Last evaluated: 2024-02-13. Review status: no assertion criteria provided. Collection method: clinical testing. Allele origin: germline. Not counted in ClinVar's aggregate classification.
Comment: The PRX c.2164A>G variant is predicted to result in the amino acid substitution p.Met722Val. To our knowledge, this variant has not been reported in the literature. This variant is reported in 0.0070% of alleles in individuals of European (Non-Finnish) descent in gnomAD. At this time, the clinical significance of this variant is uncertain due to the absence of conclusive functional and genetic evidence.